The following is an entry in ClinVar:

ClinVar aggregate classification (germline): Uncertain significance. Review status: criteria provided, single submitter (1 of 4 stars). 3 submissions from 3 submitters: Uncertain significance (1). 2 of the submissions do not count toward it. Last evaluated 2024-03-28.

Conditions:
Cardiovascular phenotype. Identifiers: MedGen CN230736.

Allele frequency attached by ClinVar (database versions not stated): gnomAD exomes below 0.00001 and 0.00001.
gnomAD v4.1: 1 of 1,212,410 alleles (0.000082%); highest among the groups gnomAD compares: Non-Finnish European, 0.00011%; no homozygotes.

Submissions (3):

Ambry Genetics
Classification: Uncertain significance for Cardiovascular phenotype. Last evaluated: 2024-03-28. Review status: criteria provided, single submitter. Criteria: Ambry Variant Classification Scheme 2023. Collection method: clinical testing. Allele origin: germline.
Comment: The p.K22T variant (also known as c.65A>C), located in coding exon 1 of the FHL1 gene, results from an A to C substitution at nucleotide position 65. The lysine at codon 22 is replaced by threonine, an amino acid with similar properties. This amino acid position is conserved. In addition, the in silico prediction for this alteration is inconclusive. Based on data from gnomAD, the C allele has an overall frequency of <0.001% (1/183499) total alleles studied, with 0 hemizygote(s) observed. The highest observed frequency was 0.001% (1/81939) of European (non-Finnish) alleles. Based on the available evidence, the clinical significance of this alteration remains unclear.

Clinical Genetics, Academic Medical Center
Classification: Uncertain significance. Review status: no assertion criteria provided. Collection method: clinical testing. Allele origin: germline. Affected: yes. Study: VKGL Data-share Consensus. Not counted in ClinVar's aggregate classification.

Diagnostic Laboratory, Department of Genetics, University Medical Center Groningen
Classification: Uncertain significance. Review status: no assertion criteria provided. Collection method: clinical testing. Allele origin: germline. Affected: yes. Study: VKGL Data-share Consensus. Not counted in ClinVar's aggregate classification.

NM_001159699.2(FHL1):c.113A>C (p.Lys38Thr)

Gene: FHL1 (four and a half LIM domains 1; plus strand). Cytogenetic location: Xq26.3.
Variant type: single nucleotide variant.
Coding change: c.113A>C on transcript NM_001159699.2 (MANE Select); coding-DNA position 113, A replaced by C.
Protein change: p.Lys38Thr; replaces lysine 38 with threonine.
Molecular consequence: missense variant. On other transcripts: non-coding transcript variant (1).
Genome position (GRCh38, 1-based): chrX:136,206,497, A>C. VCF-style: chrX-136206497-A-C. GRCh37 (hg19) VCF-style: chrX-135288656-A-C.
Other names: c.65A>C, p.Lys22Thr (NM_001159700.2, NM_001159702.3, NM_001159703.2 and 9 more transcripts); c.152A>C, p.Lys51Thr (NM_001159701.2); c.113A>C, p.Lys38Thr (NM_001330659.2); c.65A>C (NM_001449.4); short protein forms K22T, K38T, K51T.
Identifiers: ClinVar variation 1299886 (VCV001299886.3), dbSNP rs1370793393, ClinGen allele CA414607601.